The following is an entry in ClinVar:

NM_001376.5(DYNC1H1):c.7064C>T (p.Thr2355Ile)

Gene: DYNC1H1 (dynein cytoplasmic 1 heavy chain 1; plus strand). Cytogenetic location: 14q32.31.
Variant type: single nucleotide variant.
Coding change: c.7064C>T on transcript NM_001376.5 (MANE Select); coding-DNA position 7064, C replaced by T.
Protein change: p.Thr2355Ile; replaces threonine 2355 with isoleucine.
Molecular consequence: missense variant.
Genome position (GRCh38, 1-based): chr14:102,015,154, C>T. VCF-style: chr14-102015154-C-T. GRCh37 (hg19) VCF-style: chr14-102481491-C-T.
Other names: short protein forms T2355I.
Identifiers: ClinVar variation 452710 (VCV000452710.2), dbSNP rs1555410129, ClinGen allele CA391059865.

ClinVar aggregate classification (germline): Likely pathogenic (1 of 4 stars; one submission).

Submission:

GeneDx
Classification: Likely pathogenic. Last evaluated: 2017-10-10. Review status: criteria provided, single submitter. Criteria: GeneDx Variant Classification (06012015). Collection method: clinical testing. Allele origin: germline. Affected: yes.
Comment: The T2355I variant in the DYNC1H1 gene has not been reported previously as a pathogenic variant, nor as a benign variant, to our knowledge. The T2355I variant is not observed in large population cohorts (Lek et al., 2016). The T2355I variant is a non-conservative amino acid substitution, which is likely to impact secondary protein structure as these residues differ in polarity, charge, size and/or other properties. This substitution occurs at a position that is conserved across species, and in silico analysis predicts this variant is probably damaging to the protein structure/function. We interpret T2355I as a likely pathogenic variant.